The following is an entry in ClinVar:

NM_004415.4(DSP):c.3956C>G (p.Thr1319Ser)

Gene: DSP (desmoplakin; plus strand). Cytogenetic location: 6p24.3.
Variant type: single nucleotide variant.
Coding change: c.3956C>G on transcript NM_004415.4 (MANE Select); coding-DNA position 3956, C replaced by G.
Protein change: p.Thr1319Ser; replaces threonine 1319 with serine.
Molecular consequence: missense variant. On other transcripts: intron variant (1).
Genome position (GRCh38, 1-based): chr6:7,580,146, C>G. VCF-style: chr6-7580146-C-G. GRCh37 (hg19) VCF-style: chr6-7580379-C-G.
Other names: c.3956C>G, p.Thr1319Ser (NM_001319034.2); c.3582+374C>G (NM_001008844.3); short protein forms T1319S.
Identifiers: ClinVar variation 179434 (VCV000179434.19), dbSNP rs138599871, ClinGen allele CA004299.

ClinVar aggregate classification (germline): Conflicting classifications of pathogenicity. Review status: criteria provided, conflicting classifications (1 of 4 stars). 8 submissions from 8 submitters: Uncertain significance (3); Likely benign (5). Last evaluated 2025-11-23.

Conditions:
Cardiomyopathy, dilated, with wooly hair, keratoderma, and tooth agenesis. Also called: Cardiomyopathy, dilated, with woolly hair, keratoderma, and tooth agenesis; Erythrokeratodermia-cardiomyopathy syndrome. Identifiers: Orphanet 476096, Orphanet 65282, MedGen C4014393, MONDO:0014355, OMIM 615821.
Cardiovascular phenotype. Identifiers: MedGen CN230736.
Arrhythmogenic right ventricular dysplasia 8 (ARVD8). Also called: Arrhythmogenic Right Ventricular Dysplasia/Cardiomyopathy 8; ARRHYTHMOGENIC RIGHT VENTRICULAR DYSPLASIA, FAMILIAL, 8; ARRHYTHMOGENIC RIGHT VENTRICULAR CARDIOMYOPATHY 8. Identifiers: MedGen C1843896, MONDO:0011831, OMIM 607450.
Arrhythmogenic cardiomyopathy with wooly hair and keratoderma. Also called: Dilated cardiomyopathy with woolly hair and keratoderma; Arrhythmogenic cardiomyopathy with woolly hair and keratoderma; PALMOPLANTAR KERATODERMA WITH LEFT VENTRICULAR CARDIOMYOPATHY AND WOOLLY HAIR; Carvajal syndrome. Identifiers: Orphanet 65282, MedGen C1854063, MONDO:0011581, OMIM 605676.
Cardiomyopathy (CMYO). Also called: Cardiomyopathies. Identifiers: Orphanet 167848, MedGen C0878544, MONDO:0004994, HP:0001638. Inheritance: Various modes of inheritance.

gnomAD v4.1: 74 of 1,613,888 alleles (0.0046%); highest among the groups gnomAD compares: South Asian, 0.074%; 1 homozygote.

Submissions (8):

Labcorp Genetics (formerly Invitae), Labcorp
Classification: Likely benign for Arrhythmogenic cardiomyopathy with wooly hair and keratoderma; Arrhythmogenic right ventricular dysplasia 8. Last evaluated: 2025-11-23. Review status: criteria provided, single submitter. Criteria: Invitae Variant Classification Sherloc (09022015). Collection method: clinical testing. Allele origin: germline.

Ambry Genetics
Classification: Likely benign for Cardiovascular phenotype. Last evaluated: 2025-06-18. Review status: criteria provided, single submitter. Criteria: Ambry Variant Classification Scheme 2023. Collection method: clinical testing. Allele origin: germline.

All of Us Research Program, National Institutes of Health
Classification: Likely benign for Arrhythmogenic cardiomyopathy with wooly hair and keratoderma. Last evaluated: 2024-05-14. Review status: criteria provided, single submitter. Criteria: ACMG Guidelines, 2015. Collection method: clinical testing. Allele origin: germline. Inheritance: Autosomal dominant inheritance. Observed: 1 variant allele, 1 heterozygote.
Comment: This study involves interpretation of variants in research participants for the purpose of population health screening. Participant phenotype was not available at the time of variant classification. Additional details can be found in publication PMID: 35346344, PMCID: PMC8962531

Victorian Clinical Genetics Services, Murdoch Childrens Research Institute
Classification: Uncertain significance for Cardiomyopathy, dilated, with wooly hair, keratoderma, and tooth agenesis. Last evaluated: 2023-07-17. Review status: criteria provided, single submitter. Criteria: ACMG Guidelines, 2015. Collection method: clinical testing. Allele origin: germline. Inheritance: Autosomal dominant inheritance. Affected: yes.
Comment: Based on the classification scheme VCGS_Germline_v1.3.4, this variant is classified as VUS-3C. Following criteria are met: 0102 - Loss of function is a known mechanism of disease in this gene and is associated with ARVD (MIM#607450) and other DSP-related cardiac disorders. (I) 0108 - This gene is associated with both recessive and dominant disease. Variants in this gene are usually inherited in a dominant manner, however rare reports of recessive inheritance have resulted in a more severe cardiac phenotype (OMIM). (I) 0115 - Variants in this gene are known to have variable expressivity. Age-dependent penetrance and variable expressivity are well-described aspects of arrhythmogenic cardiomyopathy (PMID: 29062697). (I) 0115 - Variants in this gene are known to have variable expressivity. Age-dependent penetrance and variable expressivity are well-described aspects of arrhythmogenic cardiomyopathy (PMID: 29062697). (I) 0200 - Variant is predicted to result in a missense amino acid change from threonine to serine. (I) 0251 - This variant is heterozygous. (I) 0304 - Variant is present in gnomAD (v2) <0.01 (19 heterozygotes, 0 homozygotes). (SP) 0309 - An alternative amino acid change at the same position has been observed in gnomAD (v2 and v3) (p.(Thr1319Ile): 10 heterozygotes, 0 homozygotes). (I) 0502 - Missense variant with conflicting in silico predictions and uninformative conservation. (I) 0604 - Variant is not located in an established domain, motif, hotspot or informative constraint region. (I) 0705 - No comparable missense variants have previous evidence for pathogenicity. (I) 0808 - Previous reports of pathogenicity for this variant are conflicting. This variant has been classified as likely benign and VUS by multiple clincal diagnostic laboratories (ClinVar). In addition, this variant has been reported in one individual with hypertrophic cardiomyopathy with left ventricular systolic dysfunction and in one child with dilated cardiomyopathy; in both instances this variant was classified as a VUS (PMIDs: 32228044, 32746448). (I) 0905 - No published segregation evidence has been identified for this variant. (I) 1007 - No published functional evidence has been identified for this variant. (I) 1208 - Inheritance information for this variant is not currently available in this individual. (I) Legend: (SP) - Supporting pathogenic, (I) - Information, (SB) - Supporting benign

Color Diagnostics, LLC DBA Color Health
Classification: Likely benign for Cardiomyopathy. Last evaluated: 2020-11-18. Review status: criteria provided, single submitter. Criteria: ACMG Guidelines, 2015. Collection method: clinical testing. Allele origin: germline.

Women's Health and Genetics/Laboratory Corporation of America, LabCorp
Classification: Likely benign. Last evaluated: 2018-03-26. Review status: criteria provided, single submitter. Criteria: LabCorp Variant Classification Summary - May 2015. Collection method: clinical testing. Allele origin: germline.
Comment: Variant summary: DSP c.3956C>G (p.Thr1319Ser) results in a conservative amino acid change in the encoded protein sequence. Three of five in-silico tools predict a benign effect of the variant on protein function. The observed variant frequency within South Asian control individuals in the gnomAD database is approximately 49 fold above the estimated maximal expected allele frequency for a pathogenic variant in DSP causing Arrhythmia phenotype (1e-05), strongly suggesting that the variant is a benign polymorphism found primarily in populations of South Asian origin. To our knowledge, no occurrence of c.3956C>G in individuals affected with Arrhythmia and no experimental evidence demonstrating its impact on protein function have been reported. One clinical diagnostic laboratory has submitted clinical-significance assessments for this variant to ClinVar after 2014, and classified the variant as uncertain significance. Based on the evidence outlined above, the variant was classified as likely benign.

GeneDx
Classification: Uncertain significance. Last evaluated: 2017-06-19. Review status: criteria provided, single submitter. Criteria: GeneDx Variant Classification (06012015). Collection method: clinical testing. Allele origin: germline. Affected: yes.
Comment: The T1319S variant has not been published as pathogenic or been reported as benign to our knowledge. This substitution occurs at a position that is conserved in mammals. Nevertheless, The T1319S variant is a conservative amino acid substitution, which is not likely to impact secondary protein structure as these residues share similar properties. In silico analysis is inconsistent in its predictions as to whether or not the variant is damaging to the protein structure/function. Finally, the Exome Aggregation Consortium reports T1319S was observed in 6/16468 (0.04%) alleles from individuals of South Asian background (Lek et al., 2016).

Laboratory for Molecular Medicine, Mass General Brigham Personalized Medicine
Classification: Uncertain significance. Last evaluated: 2013-11-20. Review status: criteria provided, single submitter. Criteria: LMM Criteria. Collection method: clinical testing. Allele origin: germline. Observed: 2 variant alleles.
Comment: The Thr1319Ser variant in DSP has not been previously reported in individuals wi th cardiomyopathy and was absent from large population studies. Computational an alyses (biochemical amino acid properties, conservation, AlignGVGD, PolyPhen2, a nd SIFT) do not provide strong support for or against an impact to the protein. In summary, additional information is needed to fully assess the clinical signif icance of this variant.

Literature cited by the submitters: PubMed 32228044 (cited by Victorian Clinical Genetics Services, Murdoch Childrens Research Institute); PubMed 32746448 (cited by Victorian Clinical Genetics Services, Murdoch Childrens Research Institute); PubMed 29062697 (cited by Victorian Clinical Genetics Services, Murdoch Childrens Research Institute).